The following is an entry in ClinVar:

NM_000059.4(BRCA2):c.1001A>C (p.His334Pro)

Gene: BRCA2 (BRCA2 DNA repair associated; plus strand). Cytogenetic location: 13q13.1.
Variant type: single nucleotide variant.
Coding change: c.1001A>C on transcript NM_000059.4 (MANE Select); coding-DNA position 1001, A replaced by C.
Protein change: p.His334Pro; replaces histidine 334 with proline.
Molecular consequence: missense variant. On other transcripts: non-coding transcript variant (1), intron variant (1).
Genome position (GRCh38, 1-based): chr13:32,332,479, A>C. VCF-style: chr13-32332479-A-C. GRCh37 (hg19) VCF-style: chr13-32906616-A-C.
Other names: c.1001A>C, p.His334Pro (NM_001406719.1, NM_001406720.1, NM_001406721.1 and 1 more transcripts); c.424+1449A>C (NM_001406722.1); short protein forms H334P.
Identifiers: ClinVar variation 3340418 (VCV003340418.1).
Genomic context (GRCh38, chr13:32,332,479, plus strand): 5'-AATGTAGAACAAAAAATCTACAAAAAGTAAGAACTAGCAAGACTAGGAAAAAAATTTTCC[A>C]TGAAGCAAACGCTGATGAATGTGAAAAATCTAAAAACCAAGTGAAAGAAAAATACTCATT-3'
Protein context (NP_000050.3, residues 324-344): RTSKTRKKIF[His334Pro]EANADECEKS

ClinVar aggregate classification (germline): Uncertain significance (1 of 4 stars; one submission).

Submission:

GeneDx
Classification: Uncertain significance. Last evaluated: 2024-03-13. Review status: criteria provided, single submitter. Criteria: GeneDx Variant Classification Process June 2021. Collection method: clinical testing. Allele origin: germline. Affected: yes.
Comment: Not observed at significant frequency in large population cohorts (gnomAD); In silico analysis supports that this missense variant does not alter protein structure/function; Has not been previously published as pathogenic or benign to our knowledge; Also known as 1229A>C